The following is an entry in ClinVar:

NM_001042750.2(STAG2):c.2924+5T>A

Gene: STAG2 (STAG2 cohesin complex component; plus strand). Cytogenetic location: Xq25.
Variant type: single nucleotide variant.
Coding change: c.2924+5T>A on transcript NM_001042750.2 (MANE Select); 5 bases into the intron after coding-DNA position 2924, T replaced by A.
Molecular consequence: intron variant.
Genome position (GRCh38, 1-based): chrX:124,081,533, T>A. VCF-style: chrX-124081533-T-A. GRCh37 (hg19) VCF-style: chrX-123215383-T-A.
Other names: c.2924+5T>A (NM_001042749.2, NM_001375366.1, NM_001375373.1 and 13 more transcripts).
Identifiers: ClinVar variation 1202436 (VCV001202436.4), dbSNP rs1230977778, ClinGen allele CA871003639.

ClinVar aggregate classification (germline): Uncertain significance. Review status: criteria provided, multiple submitters, no conflicts (2 of 4 stars). 2 submissions from 2 submitters: Uncertain significance (2). Last evaluated 2024-06-19.

Allele frequency attached by ClinVar (database versions not stated): gnomAD exomes below 0.00001; TOPMed 0.00002; gnomAD 0.00003.
gnomAD v4.1: 5 of 1,146,702 alleles (0.00044%); highest among the groups gnomAD compares: Non-Finnish European, 0.00058%; no homozygotes.

Submissions (2):

Women's Health and Genetics/Laboratory Corporation of America, LabCorp
Classification: Uncertain significance. Last evaluated: 2024-06-19. Review status: criteria provided, single submitter. Criteria: LabCorp Variant Classification Summary - May 2015. Collection method: clinical testing. Allele origin: germline.
Comment: Variant summary: STAG2 c.2924+5T>A alters a conserved nucleotide located close to a canonical splice site and therefore could affect mRNA splicing, leading to a significantly altered protein sequence. Consensus agreement among computation tools predict no significant impact on normal splicing. However, these predictions have yet to be confirmed by functional studies. The variant was absent in 140778 control chromosomes. The available data on variant occurrences in the general population are insufficient to allow any conclusion about variant significance. To our knowledge, no occurrence of c.2924+5T>A in individuals affected with STAG2-Related Disorders and no experimental evidence demonstrating its impact on protein function have been reported. ClinVar contains an entry for this variant (Variation ID: 1202436). Based on the evidence outlined above, the variant was classified as uncertain significance.

GeneDx
Classification: Uncertain significance. Last evaluated: 2020-12-28. Review status: criteria provided, single submitter. Criteria: GeneDx Variant Classification Process June 2021. Collection method: clinical testing. Allele origin: germline. Affected: yes.
Comment: Not observed in large population cohorts (Lek et al., 2016); In silico analysis supports that this variant does not alter splicing; Has not been previously published as pathogenic or benign to our knowledge

Literature cited by the submitters: PubMed 26438359 (cited by Women's Health and Genetics/Laboratory Corporation of America, LabCorp); PubMed 24220272 (cited by Women's Health and Genetics/Laboratory Corporation of America, LabCorp); PubMed 24487413 (cited by Women's Health and Genetics/Laboratory Corporation of America, LabCorp); PubMed 24335498 (cited by Women's Health and Genetics/Laboratory Corporation of America, LabCorp); PubMed 25006131 (cited by Women's Health and Genetics/Laboratory Corporation of America, LabCorp); PubMed 27276561 (cited by Women's Health and Genetics/Laboratory Corporation of America, LabCorp).